The following is an entry in ClinVar:

NM_000059.4(BRCA2):c.379G>T (p.Ala127Ser)

Gene: BRCA2 (BRCA2 DNA repair associated; plus strand). Cytogenetic location: 13q13.1.
Variant type: single nucleotide variant.
Coding change: c.379G>T on transcript NM_000059.4 (MANE Select); coding-DNA position 379, G replaced by T.
Protein change: p.Ala127Ser; replaces alanine 127 with serine.
Molecular consequence: missense variant.
Genome position (GRCh38, 1-based): chr13:32,325,138, G>T. VCF-style: chr13-32325138-G-T. GRCh37 (hg19) VCF-style: chr13-32899275-G-T.
Other names: 607G>T; short protein forms A127S.
Identifiers: ClinVar variation 51526 (VCV000051526.20), dbSNP rs80358621, ClinGen allele CA018828.

ClinVar aggregate classification (germline): Conflicting classifications of pathogenicity. Review status: criteria provided, conflicting classifications (1 of 4 stars). 9 submissions from 9 submitters: Uncertain significance (6); Likely benign (1). 2 of the submissions do not count toward it. Last evaluated 2026-05-28.

Conditions:
BRCA2-related cancer predisposition. Identifiers: MedGen CN377758, MONDO:0700269.
BRCA2-related disorder. Also called: BRCA2-related condition; BRCA2-related disorders. Identifiers: MedGen CN239275.
Hereditary cancer-predisposing syndrome. Also called: Hereditary Cancer Syndrome; Neoplastic Syndromes, Hereditary; Hereditary neoplastic syndrome; Tumor predisposition. Identifiers: Orphanet 140162, MedGen C0027672, MeSH D009386, MONDO:0015356.
Hereditary breast ovarian cancer syndrome. Also called: Hereditary breast and ovarian cancer syndrome; Breast and ovarian cancer; BRCA1- and BRCA2-Associated Hereditary Breast and Ovarian Cancer; Hereditary breast and/or ovarian cancer syndrome; Hereditary breast and ovarian cancer; Hereditary breast and ovarian cancer syndrome (HBOC). Identifiers: Orphanet 145, MedGen C0677776, MeSH D061325, MONDO:0003582. Disease mechanism: loss of function.
Breast-ovarian cancer, familial, susceptibility to, 2 (BROVCA2). Also called: BRCA2 Hereditary Breast and Ovarian Cancer. Identifiers: Orphanet 145, MedGen C2675520, MONDO:0012933, OMIM 612555. Disease mechanism: loss of function.

Allele frequency attached by ClinVar (database versions not stated): gnomAD exomes below 0.00001.
gnomAD v4.1: 5 of 1,609,220 alleles (0.00031%); highest among the groups gnomAD compares: Non-Finnish European, 0.00043%; no homozygotes.

Submissions (9):

Women's Health and Genetics/Laboratory Corporation of America, LabCorp
Classification: Uncertain significance. Last evaluated: 2026-05-28. Review status: criteria provided, single submitter. Criteria: LabCorp Variant Classification Summary - May 2015. Collection method: clinical testing. Allele origin: germline.
Comment: Variant summary: BRCA2 c.379G>T (p.Ala127Ser) results in a conservative amino acid change in the encoded protein sequence. Algorithms developed to predict the effect of missense changes on protein structure and function all suggest that this variant is likely to be tolerated. The variant was absent in 251152 control chromosomes. The available data on variant occurrences in the general population are insufficient to allow any conclusion about variant significance. To our knowledge, no occurrence of c.379G>T in individuals affected with BRCA2-related conditions and no experimental evidence demonstrating its impact on protein function have been reported. ClinVar contains an entry for this variant (Variation ID: 51526). Based on the evidence outlined above, the variant was classified as uncertain significance.

PreventionGenetics, part of Exact Sciences
Classification: Uncertain significance for BRCA2-related condition. Last evaluated: 2026-01-13. Review status: criteria provided, single submitter. Criteria: ACMG Guidelines, 2015. Collection method: clinical testing. Allele origin: germline.
Comment: The BRCA2 c.379G>T variant is predicted to result in the amino acid substitution p.Ala127Ser. To our knowledge, this variant has not been reported in the literature or in a large population database (gnomAD), indicating this variant is rare. This variant has conflicting interpretations in ClinVar ranging from uncertain to likely benign (Variation ID: 51526). At this time, the clinical significance of this variant is uncertain due to the absence of conclusive functional and genetic evidence.

Quest Diagnostics Nichols Institute San Juan Capistrano
Classification: Uncertain significance. Last evaluated: 2025-09-05. Review status: criteria provided, single submitter. Criteria: Quest Diagnostics criteria. Collection method: clinical testing. Allele origin: unknown.
Comment: The BRCA2 c.379G>T (p.Ala127Ser) variant has not been reported in individuals with BRCA2-related conditions in the published literature. This variant has not been reported in large, multi-ethnic general populations (Genome Aggregation Database). Analysis of this variant using bioinformatics tools for the prediction of the effect of amino acid changes on protein structure and function yielded predictions that this variant is benign. Based on the available information, we are unable to determine the clinical significance of this variant.

Labcorp Genetics (formerly Invitae), Labcorp
Classification: Likely benign for Hereditary breast ovarian cancer syndrome. Last evaluated: 2025-06-17. Review status: criteria provided, single submitter. Criteria: Invitae Variant Classification Sherloc (09022015). Collection method: clinical testing. Allele origin: germline.

All of Us Research Program, National Institutes of Health
Classification: Uncertain significance for BRCA2-related cancer predisposition. Last evaluated: 2024-09-23. Review status: criteria provided, single submitter. Criteria: ACMG Guidelines, 2015. Collection method: clinical testing. Allele origin: germline. Inheritance: Autosomal dominant inheritance. Observed: 1 variant allele, 1 heterozygote.
Comment: This study involves interpretation of variants in research participants for the purpose of population health screening. Participant phenotype was not available at the time of variant classification. Additional details can be found in publication PMID: 35346344, PMCID: PMC8962531

Ambry Genetics
Classification: Uncertain significance for Hereditary cancer-predisposing syndrome. Last evaluated: 2024-05-19. Review status: criteria provided, single submitter. Criteria: Ambry Variant Classification Scheme 2023. Collection method: clinical testing. Allele origin: germline.
Comment: The p.A127S variant (also known as c.379G>T), located in coding exon 3 of the BRCA2 gene, results from a G to T substitution at nucleotide position 379. The alanine at codon 127 is replaced by serine, an amino acid with similar properties. This amino acid position is not well conserved in available vertebrate species. In addition, this alteration is predicted to be tolerated by in silico analysis. Since supporting evidence is limited at this time, the clinical significance of this alteration remains unclear.

Color Diagnostics, LLC DBA Color Health
Classification: Uncertain significance for Hereditary cancer-predisposing syndrome. Last evaluated: 2019-04-03. Review status: criteria provided, single submitter. Criteria: ACMG Guidelines, 2015. Collection method: clinical testing. Allele origin: germline.

Sharing Clinical Reports Project (SCRP)
Classification: Likely benign for Breast-ovarian cancer, familial 2. Last evaluated: 2012-05-03. Review status: no assertion criteria provided. Collection method: clinical testing. Allele origin: germline. Not counted in ClinVar's aggregate classification.

Breast Cancer Information Core (BIC) (BRCA2)
Classification: Uncertain significance for Breast-ovarian cancer, familial 2. Last evaluated: 2002-06-20. Review status: no assertion criteria provided. Collection method: clinical testing. Allele origin: germline. Affected: yes. Observed: 1 variant allele. Not counted in ClinVar's aggregate classification.